The following is an entry in ClinVar:

ClinVar aggregate classification (germline): Uncertain significance (1 of 4 stars; one submission).

Conditions:
Oligodontia-cancer predisposition syndrome. Also called: TOOTH AGENESIS-COLORECTAL CANCER SYNDROME. Identifiers: Orphanet 300576, MedGen C1837750, MONDO:0012075, OMIM 608615. Disease mechanism: loss of function.

Submission:

Labcorp Genetics (formerly Invitae), Labcorp
Classification: Uncertain significance for Oligodontia-cancer predisposition syndrome. Last evaluated: 2024-09-23. Review status: criteria provided, single submitter. Criteria: Invitae Variant Classification Sherloc (09022015). Collection method: clinical testing. Allele origin: germline.
Comment: This sequence change replaces tyrosine, which is neutral and polar, with histidine, which is basic and polar, at codon 550 of the AXIN2 protein (p.Tyr550His). This variant is not present in population databases (gnomAD no frequency). This variant has not been reported in the literature in individuals affected with AXIN2-related conditions. Invitae Evidence Modeling of protein sequence and biophysical properties (such as structural, functional, and spatial information, amino acid conservation, physicochemical variation, residue mobility, and thermodynamic stability) indicates that this missense variant is not expected to disrupt AXIN2 protein function with a negative predictive value of 80%. In summary, the available evidence is currently insufficient to determine the role of this variant in disease. Therefore, it has been classified as a Variant of Uncertain Significance.

NM_004655.4(AXIN2):c.1648T>C (p.Tyr550His)

Gene: AXIN2 (axin 2; minus strand). Cytogenetic location: 17q24.1.
Variant type: single nucleotide variant.
Coding change: c.1648T>C on transcript NM_004655.4 (MANE Select); coding-DNA position 1648, T replaced by C.
Protein change: p.Tyr550His; replaces tyrosine 550 with histidine.
Molecular consequence: missense variant.
Genome position (GRCh38, 1-based): chr17:65,537,388, A>G on the plus strand (T>C on the coding strand, the complement: AXIN2 is on the minus strand). VCF-style: chr17-65537388-A-G. GRCh37 (hg19) VCF-style: chr17-63533506-A-G.
Other names: c.1648T>C, p.Tyr550His (NM_001363813.1); short protein forms Y550H.
Identifiers: ClinVar variation 2964359 (VCV002964359.3), dbSNP rs571713474, ClinGen allele CA400677014.